The following is an entry in ClinVar:

ClinVar aggregate classification (germline): Uncertain significance. Review status: criteria provided, multiple submitters, no conflicts (2 of 4 stars). 2 submissions from 2 submitters: Uncertain significance (2). Last evaluated 2024-11-12.

Conditions:
Inborn genetic diseases. Identifiers: MedGen C0950123, MeSH D030342.

gnomAD v4.1: 3 of 1,614,078 alleles (0.00019%); highest among the groups gnomAD compares: Non-Finnish European, 0.00025%; no homozygotes.

Submissions (2):

Labcorp Genetics (formerly Invitae), Labcorp
Classification: Uncertain significance. Last evaluated: 2024-11-12. Review status: criteria provided, single submitter. Criteria: Invitae Variant Classification Sherloc (09022015). Collection method: clinical testing. Allele origin: germline.
Comment: This sequence change replaces glutamine, which is neutral and polar, with leucine, which is neutral and non-polar, at codon 397 of the NLRP1 protein (p.Gln397Leu). This variant is not present in population databases (gnomAD no frequency). This variant has not been reported in the literature in individuals affected with NLRP1-related conditions. ClinVar contains an entry for this variant (Variation ID: 2459938). An algorithm developed to predict the effect of missense changes on protein structure and function (PolyPhen-2) suggests that this variant is likely to be disruptive. In summary, the available evidence is currently insufficient to determine the role of this variant in disease. Therefore, it has been classified as a Variant of Uncertain Significance.

Ambry Genetics
Classification: Uncertain significance for Inborn genetic diseases. Last evaluated: 2023-03-13. Review status: criteria provided, single submitter. Criteria: Ambry Variant Classification Scheme 2023. Collection method: clinical testing. Allele origin: germline.

NM_033004.4(NLRP1):c.1190A>T (p.Gln397Leu)

Gene: NLRP1 (NLR family pyrin domain containing 1; minus strand). Cytogenetic location: 17p13.2.
Variant type: single nucleotide variant.
Coding change: c.1190A>T on transcript NM_033004.4 (MANE Select); coding-DNA position 1190, A replaced by T.
Protein change: p.Gln397Leu; replaces glutamine 397 with leucine.
Molecular consequence: missense variant.
Genome position (GRCh38, 1-based): chr17:5,559,506, T>A on the plus strand (A>T on the coding strand, the complement: NLRP1 is on the minus strand). VCF-style: chr17-5559506-T-A. GRCh37 (hg19) VCF-style: chr17-5462826-T-A.
Other names: c.1190A>T, p.Gln397Leu (NM_001033053.3, NM_014922.5, NM_033006.4 and 1 more transcripts); short protein forms Q397L.
Identifiers: ClinVar variation 2459938 (VCV002459938.4), dbSNP rs200397188, ClinGen allele CA397386627.